The following is an entry in ClinVar:

NM_001374259.2(IL12RB2):c.247C>T (p.His83Tyr)

Gene: IL12RB2 (interleukin 12 receptor subunit beta 2; plus strand). Cytogenetic location: 1p31.3.
Variant type: single nucleotide variant.
Coding change: c.247C>T on transcript NM_001374259.2 (MANE Select); coding-DNA position 247, C replaced by T.
Protein change: p.His83Tyr; replaces histidine 83 with tyrosine.
Molecular consequence: missense variant. On other transcripts: non-coding transcript variant (2).
Genome position (GRCh38, 1-based): chr1:67,321,772, C>T. VCF-style: chr1-67321772-C-T. GRCh37 (hg19) VCF-style: chr1-67787455-C-T.
Other names: c.247C>T, p.His83Tyr (NM_001258214.1, NM_001258215.1, NM_001258216.1 and 2 more transcripts); short protein forms H83Y.
Identifiers: ClinVar variation 2852135 (VCV002852135.3), dbSNP rs1329605499, ClinGen allele CA340730707.

ClinVar aggregate classification (germline): Uncertain significance (1 of 4 stars; one submission).

Submission:

Labcorp Genetics (formerly Invitae), Labcorp
Classification: Uncertain significance. Last evaluated: 2023-04-05. Review status: criteria provided, single submitter. Criteria: Invitae Variant Classification Sherloc (09022015). Collection method: clinical testing. Allele origin: germline.
Comment: This sequence change replaces histidine, which is basic and polar, with tyrosine, which is neutral and polar, at codon 83 of the IL12RB2 protein (p.His83Tyr). This variant is not present in population databases (gnomAD no frequency). This variant has not been reported in the literature in individuals affected with IL12RB2-related conditions. Algorithms developed to predict the effect of missense changes on protein structure and function output the following: SIFT: "Not Available"; PolyPhen-2: "Benign"; Align-GVGD: "Not Available". The tyrosine amino acid residue is found in multiple mammalian species, which suggests that this missense change does not adversely affect protein function. In summary, the available evidence is currently insufficient to determine the role of this variant in disease. Therefore, it has been classified as a Variant of Uncertain Significance.